The following is an entry in ClinVar:

NM_000059.4(BRCA2):c.1456C>T (p.Gln486Ter)

Gene: BRCA2 (BRCA2 DNA repair associated; plus strand). Cytogenetic location: 13q13.1.
Variant type: single nucleotide variant.
Coding change: c.1456C>T on transcript NM_000059.4 (MANE Select); coding-DNA position 1456, C replaced by T.
Protein change: p.Gln486Ter; replaces glutamine 486 with a stop codon.
Molecular consequence: nonsense.
Genome position (GRCh38, 1-based): chr13:32,332,934, C>T. VCF-style: chr13-32332934-C-T. GRCh37 (hg19) VCF-style: chr13-32907071-C-T.
Other names: short protein forms Q486*.
Identifiers: ClinVar variation 51128 (VCV000051128.34), dbSNP rs80358434, ClinGen allele CA012111.

ClinVar aggregate classification (germline): Pathogenic. Review status: reviewed by expert panel (3 of 4 stars). 14 submissions from 14 submitters: Pathogenic (1). 13 of the submissions do not count toward it. Last evaluated 2016-09-08.

Conditions:
Hereditary breast ovarian cancer syndrome. Also called: Hereditary breast and ovarian cancer syndrome; Hereditary breast and ovarian cancer; Hereditary breast and ovarian cancer syndrome (HBOC); Breast and ovarian cancer; Hereditary breast and/or ovarian cancer syndrome; BRCA1- and BRCA2-Associated Hereditary Breast and Ovarian Cancer. Identifiers: Orphanet 145, MedGen C0677776, MeSH D061325, MONDO:0003582. Disease mechanism: loss of function.
Breast-ovarian cancer, familial, susceptibility to, 2 (BROVCA2). Also called: BRCA2 Hereditary Breast and Ovarian Cancer. Identifiers: Orphanet 145, MedGen C2675520, MONDO:0012933, OMIM 612555. Disease mechanism: loss of function.
Familial cancer of breast. Also called: BREAST CANCER, FAMILIAL; Hereditary breast cancer; hereditary breast carcinoma. Identifiers: Orphanet 227535, MedGen C0346153, MONDO:0016419, OMIM 114480. Disease mechanism: loss of function.
Hereditary cancer-predisposing syndrome. Also called: Neoplastic Syndromes, Hereditary; Tumor predisposition; Hereditary Cancer Syndrome; Hereditary neoplastic syndrome. Identifiers: Orphanet 140162, MedGen C0027672, MeSH D009386, MONDO:0015356.

gnomAD v4.1: 1 of 1,607,660 alleles (0.000062%); highest among the groups gnomAD compares: Non-Finnish European, 0.000085%; no homozygotes.

Submissions (14):

Evidence-based Network for the Interpretation of Germline Mutant Alleles (ENIGMA)
Classification: Pathogenic for Breast-ovarian cancer, familial, susceptibility to, 2. Last evaluated: 2016-09-08. Review status: reviewed by expert panel. Criteria: ENIGMA BRCA1/2 Classification Criteria (2015). Collection method: curation. Allele origin: germline.
Comment: Variant allele predicted to encode a truncated non-functional protein.

Labcorp Genetics (formerly Invitae), Labcorp
Classification: Pathogenic for Hereditary breast ovarian cancer syndrome. Last evaluated: 2025-12-17. Review status: criteria provided, single submitter. Criteria: Invitae Variant Classification Sherloc (09022015). Collection method: clinical testing. Allele origin: germline. Not counted in ClinVar's aggregate classification.
Comment: This sequence change creates a premature translational stop signal (p.Gln486*) in the BRCA2 gene. It is expected to result in an absent or disrupted protein product. Loss-of-function variants in BRCA2 are known to be pathogenic (PMID: 20104584). This variant is not present in population databases (gnomAD no frequency). This premature translational stop signal has been observed in individual(s) with hereditary breast and ovarian cancer (PMID: 29339979, 29446198). ClinVar contains an entry for this variant (Variation ID: 51128). For these reasons, this variant has been classified as Pathogenic.

Ambry Genetics
Classification: Pathogenic for Hereditary cancer-predisposing syndrome. Last evaluated: 2025-03-23. Review status: criteria provided, single submitter. Criteria: Ambry Variant Classification Scheme 2023. Collection method: clinical testing. Allele origin: germline. Not counted in ClinVar's aggregate classification.
Comment: The p.Q486* pathogenic mutation (also known as c.1456C>T), located in coding exon 9 of the BRCA2 gene, results from a C to T substitution at nucleotide position 1456. This changes the amino acid from a glutamine to a stop codon within coding exon 9. This mutation has been identified in a family with hereditary breast and/or ovarian cancer from Norway (Heramb C et al. Hered Cancer Clin Pract 2018 Jan;16:3). This variant is considered to be rare based on population cohorts in the Genome Aggregation Database (gnomAD). In addition to the clinical data presented in the literature, this alteration is expected to result in loss of function by premature protein truncation or nonsense-mediated mRNA decay. As such, this alteration is interpreted as a disease-causing mutation.

Quest Diagnostics Nichols Institute San Juan Capistrano
Classification: Pathogenic. Last evaluated: 2024-01-25. Review status: criteria provided, single submitter. Criteria: Quest Diagnostics criteria. Collection method: clinical testing. Allele origin: unknown. Not counted in ClinVar's aggregate classification.
Comment: The BRCA2 c.1456C>T (p.Gln486*) variant causes the premature termination of BRCA2 protein synthesis. This variant has been reported in the published literature in individuals affected with breast and/or ovarian cancer (PMIDs: 29339979 (2018), 29446198 (2018)). This variant has not been reported in large, multi-ethnic general populations (Genome Aggregation Database). Based on the available information, this variant is classified as pathogenic.

GeneDx
Classification: Pathogenic. Last evaluated: 2023-06-13. Review status: criteria provided, single submitter. Criteria: GeneDx Variant Classification Process June 2021. Collection method: clinical testing. Allele origin: germline. Affected: yes. Not counted in ClinVar's aggregate classification.
Comment: Nonsense variant predicted to result in protein truncation or nonsense mediated decay in a gene for which loss-of-function is a known mechanism of disease; Truncating variants in this gene are considered pathogenic by a well-established clinical consortium and/or database; Not observed at significant frequency in large population cohorts (gnomAD); Also known as 1684C>T; This variant is associated with the following publications: (PMID: 21523855, 20167696, 29339979, 29446198, 20104584, 32377563, 31853058, 32918181)

Baylor Genetics
Classification: Pathogenic for Familial cancer of breast. Last evaluated: 2022-10-29. Review status: criteria provided, single submitter. Criteria: ACMG Guidelines, 2015. Collection method: clinical testing. Allele origin: unknown. Not counted in ClinVar's aggregate classification.

Revvity Omics, Revvity
Classification: Pathogenic. Last evaluated: 2022-04-20. Review status: criteria provided, single submitter. Criteria: ACMG Guidelines, 2015. Collection method: clinical testing. Allele origin: germline. Not counted in ClinVar's aggregate classification.

ARUP Laboratories, Molecular Genetics and Genomics, ARUP Laboratories
Classification: Pathogenic. Last evaluated: 2021-03-31. Review status: criteria provided, single submitter. Criteria: ARUP Molecular Germline Variant Investigation Process 2021. Collection method: clinical testing. Allele origin: germline. Not counted in ClinVar's aggregate classification.
Comment: The BRCA2 c.1456C>T; p.Gln486Ter variant (rs80358434) is reported in the literature in several individuals affected with hereditary breast and/or ovarian cancer (Heramb 2018, Mattocks 2010, Rebbeck 2018). This variant is also reported in ClinVar (Variation ID: 51128), and is classified as pathogenic by the evidence-based network for the interpretation of germline mutant alleles (ENIGMA) expert panel (see link to ENIGMA consortium classification criteria). This variant is absent from the Genome Aggregation Database, indicating it is not a common polymorphism. This variant induces an early termination codon and is predicted to result in a truncated protein or mRNA subject to nonsense-mediated decay. Based on available information, this variant is considered to be pathogenic. References: Link to ENIGMA classification criteria: Heramb C et al. BRCA1 and BRCA2 mutation spectrum - an update on mutation distribution in a large cancer genetics clinic in Norway. Hered Cancer Clin Pract. 2018 Jan 10;16:3. PMID: 29339979. Mattocks CJ et al. Interlaboratory diagnostic validation of conformation-sensitive capillary electrophoresis for mutation scanning. Clin Chem. 2010 Apr;56(4):593-602. PMID: 20167696. Rebbeck TR et al. Mutational spectrum in a worldwide study of 29,700 families with BRCA1 or BRCA2 mutations. Hum Mutat. 2018 May;39(5):593-620. PMID: 29446198.

Women's Health and Genetics/Laboratory Corporation of America, LabCorp
Classification: Pathogenic for Hereditary breast ovarian cancer syndrome. Last evaluated: 2021-03-28. Review status: criteria provided, single submitter. Criteria: LabCorp Variant Classification Summary - May 2015. Collection method: clinical testing. Allele origin: germline. Not counted in ClinVar's aggregate classification.
Comment: Variant summary: BRCA2 c.1456C>T (p.Gln486X) results in a premature termination codon, predicted to cause a truncation of the encoded protein or absence of the protein due to nonsense mediated decay, which are commonly known mechanisms for disease. Truncations downstream of this position have been classified as pathogenic by our laboratory. The variant was absent in 243790 control chromosomes. c.1456C>T has been reported in the literature in individuals affected with Hereditary Breast And Ovarian Cancer Syndrome (example, Rebbeck_2018). These data indicate that the variant is likely to be associated with disease. To our knowledge, no experimental evidence demonstrating an impact on protein function has been reported. Multiple clinical diagnostic laboratories, a consotrium (CIMBA) and an expert panel (ENIGMA) have submitted clinical-significance assessments for this variant to ClinVar after 2014 without evidence for independent evaluation. All submitters classified the variant as pathogenic (n=5)/likely pathogenic (n=1). Based on the evidence outlined above, the variant was classified as pathogenic.

Consortium of Investigators of Modifiers of BRCA1/2 (CIMBA), c/o University of Cambridge
Classification: Pathogenic for Breast-ovarian cancer, familial, susceptibility to, 2. Last evaluated: 2015-10-02. Review status: criteria provided, single submitter. Criteria: CIMBA Mutation Classification guidelines May 2016. Collection method: clinical testing. Allele origin: germline. Not counted in ClinVar's aggregate classification.

Department of Medical Genetics, Oslo University Hospital
Classification: Pathogenic for Breast-ovarian cancer, familial, susceptibility to, 2. Last evaluated: 2015-07-01. Review status: criteria provided, single submitter. Criteria: ACMG Guidelines, 2015. Collection method: clinical testing. Allele origin: germline. Affected: yes. Observed: 5 variant alleles. Not counted in ClinVar's aggregate classification.

Counsyl
Classification: Likely pathogenic for Breast-ovarian cancer, familial, susceptibility to, 2. Last evaluated: 2017-04-05. Review status: no assertion criteria provided. Collection method: clinical testing. Allele origin: unknown. Not counted in ClinVar's aggregate classification.

Research Molecular Genetics Laboratory, Women's College Hospital, University of Toronto
Classification: Pathogenic for Hereditary breast ovarian cancer syndrome. Last evaluated: 2014-01-31. Review status: no assertion criteria provided. Collection method: research. Allele origin: germline. Affected: yes. Study: The Canadian Open Genetics Repository (COGR). Not counted in ClinVar's aggregate classification.

Breast Cancer Information Core (BIC) (BRCA2)
Classification: Pathogenic for Breast-ovarian cancer, familial 2. Last evaluated: 1999-06-22. Review status: no assertion criteria provided. Collection method: clinical testing. Allele origin: germline. Affected: yes. Observed: 4 variant alleles. Not counted in ClinVar's aggregate classification.

Literature cited by the submitters: PubMed 20104584 (cited by Labcorp Genetics (formerly Invitae), Labcorp); PubMed 29339979 (cited by Labcorp Genetics (formerly Invitae), Labcorp and Quest Diagnostics Nichols Institute San Juan Capistrano); PubMed 29446198 (cited by 4 submitters); PubMed 32918181 (cited by Ambry Genetics and Quest Diagnostics Nichols Institute San Juan Capistrano); PubMed 21523855 (cited by Quest Diagnostics Nichols Institute San Juan Capistrano and Women's Health and Genetics/Laboratory Corporation of America, LabCorp); PubMed 20167696 (cited by Women's Health and Genetics/Laboratory Corporation of America, LabCorp and Counsyl).